The following is an entry in ClinVar:

ClinVar aggregate classification (germline): Likely benign. Review status: criteria provided, multiple submitters, no conflicts (2 of 4 stars). 3 submissions from 3 submitters: Likely benign (3). Last evaluated 2024-09-18.

Allele frequency attached by ClinVar (database versions not stated): gnomAD exomes 0.00008 and 0.00013; ExAC 0.00009; gnomAD 0.00011; TOPMed 0.00013; ESP Exome Variant Server 0.00031.
gnomAD v4.1: 212 of 1,599,124 alleles (0.013%); highest among the groups gnomAD compares: Non-Finnish European, 0.016%; no homozygotes.

Submissions (3):

Blueprint Genetics
Classification: Likely benign. Last evaluated: 2024-09-18. Review status: criteria provided, single submitter. Criteria: ACMG Guidelines, 2015. Collection method: clinical testing. Allele origin: germline.

Labcorp Genetics (formerly Invitae), Labcorp
Classification: Likely benign. Last evaluated: 2024-07-31. Review status: criteria provided, single submitter. Criteria: Invitae Variant Classification Sherloc (09022015). Collection method: clinical testing. Allele origin: germline.

Genetic Services Laboratory, University of Chicago
Classification: Likely benign. Last evaluated: 2021-11-22. Review status: criteria provided, single submitter. Criteria: ACMG Guidelines, 2015. Collection method: clinical testing. Allele origin: germline. Affected: no.
Comment: DNA sequence analysis of the PAX5 gene demonstrated a sequence change in intron 8, c.1013-7T>C. This change does not appear to have been previously described in patients with PAX5-related disorders and has been described in the gnomAD with a low population frequency of 0.012% in the non-Finnish European subpopulation(dbSNP rs369515008). This sequence change is not clearly predicted to have a deleterious effect on splicing based on in silico splice prediction programs. It is possible that this sequence change represents a benign sequence change in the PAX5 gene that has not been identified to date. The functional significance of this sequence change is not known at present and its contribution to this patient's disease phenotype cannot definitively be determined.

NM_016734.3(PAX5):c.1013-7T>C

Gene: PAX5 (paired box 5; minus strand). Cytogenetic location: 9p13.2.
Variant type: single nucleotide variant.
Coding change: c.1013-7T>C on transcript NM_016734.3 (MANE Select); 7 bases into the intron before coding-DNA position 1013, T replaced by C.
Molecular consequence: intron variant.
Genome position (GRCh38, 1-based): chr9:36,846,936, A>G on the plus strand (T>C on the coding strand, the complement: PAX5 is on the minus strand). VCF-style: chr9-36846936-A-G. GRCh37 (hg19) VCF-style: chr9-36846933-A-G.
Other names: c.587-6300T>C (NM_001280551.2); c.689-7T>C (NM_001280556.2); c.713-7T>C (NM_001280555.2); c.884-6300T>C (NM_001280553.2); c.884-7T>C (NM_001280554.2); c.781-6300T>C (NM_001280550.2); c.781-7T>C (NM_001280549.2); c.911-6300T>C (NM_001280552.2); and 2 more.
Identifiers: ClinVar variation 1337664 (VCV001337664.9), dbSNP rs369515008, ClinGen allele CA5058068.
Genomic context (GRCh38, chr9:36,846,936, plus strand): 5'-CGTTGTACGAGGAATACTGAGGGTGGCTGTAGGGACTCCCGGAAAACTCACTCCCTGTGT[A>G]TGGTGGGTGGAGAGAGAAACAGGAACCAAACGTCAAATCCAGTTCAGAAAAGGCCCTGGG-3'